The following is an entry in ClinVar:

ClinVar aggregate classification (germline): Uncertain significance (1 of 4 stars; one submission).

Conditions:
Hereditary cancer-predisposing syndrome. Also called: Neoplastic Syndromes, Hereditary; Tumor predisposition; Hereditary Cancer Syndrome; Hereditary neoplastic syndrome. Identifiers: Orphanet 140162, MedGen C0027672, MeSH D009386, MONDO:0015356.

Submission:

Ambry Genetics
Classification: Uncertain significance for Hereditary cancer-predisposing syndrome. Last evaluated: 2022-09-27. Review status: criteria provided, single submitter. Criteria: Ambry Variant Classification Scheme 2023. Collection method: clinical testing. Allele origin: germline.
Comment: The p.K2641N variant (also known as c.7923G>T), located in coding exon 15 of the APC gene, results from a G to T substitution at nucleotide position 7923. The lysine at codon 2641 is replaced by asparagine, an amino acid with similar properties. This amino acid position is conserved. In addition, in silico predictors for this gene do not accurately predict pathogenicity. Since supporting evidence is limited at this time, the clinical significance of this alteration remains unclear.

NM_000038.6(APC):c.7923G>T (p.Lys2641Asn)

Gene: APC (APC regulator of Wnt signaling pathway; plus strand). Cytogenetic location: 5q22.2.
Variant type: single nucleotide variant.
Coding change: c.7923G>T on transcript NM_000038.6 (MANE Select); coding-DNA position 7923, G replaced by T.
Protein change: p.Lys2641Asn; replaces lysine 2641 with asparagine.
Molecular consequence: missense variant.
Genome position (GRCh38, 1-based): chr5:112,843,517, G>T. VCF-style: chr5-112843517-G-T. GRCh37 (hg19) VCF-style: chr5-112179214-G-T.
Other names: c.7923G>T, p.Lys2641Asn (NM_001127510.3, NM_001354895.2, NM_001407450.1); c.7869G>T, p.Lys2623Asn (NM_001127511.3); c.7977G>T, p.Lys2659Asn (NM_001354896.2, NM_001407447.1, NM_001407448.1 and 1 more transcripts); c.7953G>T, p.Lys2651Asn (NM_001354897.2); c.7848G>T, p.Lys2616Asn (NM_001354898.2); c.7839G>T, p.Lys2613Asn (NM_001354899.2); c.7800G>T, p.Lys2600Asn (NM_001354900.2); c.7746G>T, p.Lys2582Asn (NM_001354901.2, NM_001407453.1); and 11 more; short protein forms K2358N, K2616N, K2651N, K2540N, K2558N, K2623N, K2634N, K2641N.
Identifiers: ClinVar variation 1761241 (VCV001761241.2), dbSNP rs2149996252, ClinGen allele CA16038536.
Genomic context (GRCh38, chr5:112,843,517, plus strand): 5'-TCCCACAAATAGTACTTCTCAGACCGTTTCCTCAGGTGCTACAAATGGTGCTGAATCAAA[G>T]ACTCTAATTTATCAAATGGCACCTGCTGTTTCTAAAACAGAGGATGTTTGGGTGAGAATT-3'
Protein context (NP_000029.2, residues 2631-2651): SSGATNGAES[Lys2641Asn]TLIYQMAPAV